The following is an entry in ClinVar:

NM_001377.3(DYNC2H1):c.10206+151T>C

Gene: DYNC2H1 (dynein cytoplasmic 2 heavy chain 1; plus strand). Cytogenetic location: 11q22.3.
Variant type: single nucleotide variant.
Coding change: c.10206+151T>C on transcript NM_001377.3 (MANE Select); 151 bases into the intron after coding-DNA position 10206, T replaced by C.
Molecular consequence: intron variant.
Genome position (GRCh38, 1-based): chr11:103,253,599, T>C. VCF-style: chr11-103253599-T-C. GRCh37 (hg19) VCF-style: chr11-103124328-T-C.
Other names: c.10227+151T>C (NM_001080463.2).
Identifiers: ClinVar variation 667752 (VCV000667752.1), dbSNP rs663457, ClinGen allele CA227414267.

ClinVar aggregate classification (germline): Benign (1 of 4 stars; one submission).

Allele frequency attached by ClinVar (database versions not stated): TOPMed 0.39787; gnomAD 0.40033 and 0.40086; 1000 Genomes Project 0.42951; 1000 Genomes Project 30x 0.42973.
gnomAD v4.1: 61,068 of 152,050 alleles (40%); highest among the groups gnomAD compares: African/African-American, 47%; 12,559 homozygotes.

Submission:

GeneDx
Classification: Benign. Last evaluated: 2018-06-14. Review status: criteria provided, single submitter. Criteria: GeneDx Variant Classification (06012015). Collection method: clinical testing. Allele origin: germline. Affected: yes.
Comment: This variant is considered likely benign or benign based on one or more of the following criteria: it is a conservative change, it occurs at a poorly conserved position in the protein, it is predicted to be benign by multiple in silico algorithms, and/or has population frequency not consistent with disease.